The following is an entry in ClinVar:

ClinVar aggregate classification (germline): Conflicting classifications of pathogenicity. Review status: criteria provided, conflicting classifications (1 of 4 stars). 4 submissions from 4 submitters: Uncertain significance (2); Likely benign (1). 1 of the submissions does not count toward it. Last evaluated 2026-01-05.

Conditions:
Duchenne muscular dystrophy (DMD). Also called: MUSCULAR DYSTROPHY, PSEUDOHYPERTROPHIC PROGRESSIVE, DUCHENNE TYPE; Duchenne Muscular Dystrophy (DMD). Identifiers: Orphanet 98896, MedGen C0013264, MONDO:0010679, OMIM 310200.
Cardiovascular phenotype. Identifiers: MedGen CN230736.
Cardiomyopathy (CMYO). Also called: Cardiomyopathies. Identifiers: Orphanet 167848, MedGen C0878544, MONDO:0004994, HP:0001638. Inheritance: Various modes of inheritance.
Becker muscular dystrophy (BMD). Also called: MUSCULAR DYSTROPHY, PSEUDOHYPERTROPHIC PROGRESSIVE, BECKER TYPE; Becker Muscular Dystrophy (BMD). Identifiers: Orphanet 98895, MedGen C0917713, MONDO:0010311, OMIM 300376.
Dystrophin deficiency.

Allele frequency attached by ClinVar (database versions not stated): ExAC 0.00001; gnomAD exomes 0.00002; gnomAD 0.00003; TOPMed 0.00003.
gnomAD v4.1: 7 of 1,208,630 alleles (0.00058%); highest among the groups gnomAD compares: African/African-American, 0.012%; no homozygotes.

Submissions (4):

Labcorp Genetics (formerly Invitae), Labcorp
Classification: Uncertain significance for Duchenne muscular dystrophy. Last evaluated: 2026-01-05. Review status: criteria provided, single submitter. Criteria: Invitae Variant Classification Sherloc (09022015). Collection method: clinical testing. Allele origin: germline.
Comment: This sequence change replaces aspartic acid, which is acidic and polar, with glutamic acid, which is acidic and polar, at codon 2965 of the DMD protein (p.Asp2965Glu). This variant is present in population databases (rs781748062, gnomAD 0.03%). This variant has not been reported in the literature in individuals affected with DMD-related conditions. ClinVar contains an entry for this variant (Variation ID: 455943). Invitae Evidence Modeling of protein sequence and biophysical properties (such as structural, functional, and spatial information, amino acid conservation, physicochemical variation, residue mobility, and thermodynamic stability) indicates that this missense variant is not expected to disrupt DMD protein function with a negative predictive value of 95%. In summary, the available evidence is currently insufficient to determine the role of this variant in disease. Therefore, it has been classified as a Variant of Uncertain Significance.

Ambry Genetics
Classification: Likely benign for Cardiovascular phenotype. Last evaluated: 2024-12-19. Review status: criteria provided, single submitter. Criteria: Ambry Variant Classification Scheme 2023. Collection method: clinical testing. Allele origin: germline.

Revvity Omics, Revvity
Classification: Uncertain significance. Last evaluated: 2023-01-11. Review status: criteria provided, single submitter. Criteria: ACMG Guidelines, 2015. Collection method: clinical testing. Allele origin: germline.

Natera, Inc.
Classification: Uncertain significance for Becker muscular dystrophy; Cardiomyopathy; Duchenne muscular dystrophy; Dystrophin deficiency. Last evaluated: 2018-09-25. Review status: no assertion criteria provided. Collection method: clinical testing. Allele origin: germline. Not counted in ClinVar's aggregate classification.

NM_004006.3(DMD):c.8895T>A (p.Asp2965Glu)

Gene: DMD (dystrophin; minus strand). Cytogenetic location: Xp21.2.
Variant type: single nucleotide variant.
Coding change: c.8895T>A on transcript NM_004006.3 (MANE Select); coding-DNA position 8895, T replaced by A.
Protein change: p.Asp2965Glu; replaces aspartic acid 2965 with glutamic acid.
Molecular consequence: missense variant.
Genome position (GRCh38, 1-based): chrX:31,478,148, A>T on the plus strand (T>A on the coding strand, the complement: DMD is on the minus strand). VCF-style: chrX-31478148-A-T. GRCh37 (hg19) VCF-style: chrX-31496265-A-T.
Other names: c.8871T>A, p.Asp2957Glu (NM_000109.4); c.8883T>A, p.Asp2961Glu (NM_004009.3); c.8526T>A, p.Asp2842Glu (NM_004010.3); c.4872T>A, p.Asp1624Glu (NM_004011.4); c.4863T>A, p.Asp1621Glu (NM_004012.4); c.1515T>A, p.Asp505Glu (NM_004013.3, NM_004020.4, NM_004021.3 and 2 more transcripts); c.708T>A, p.Asp236Glu (NM_004014.3); short protein forms D2965E, D236E, D505E, D1621E, D1624E, D2842E, D2957E, D2961E.
Identifiers: ClinVar variation 455943 (VCV000455943.15), dbSNP rs781748062, ClinGen allele CA10377970.